The following is an entry in ClinVar:

NM_003664.5(AP3B1):c.2087C>G (p.Ser696Cys)

Gene: AP3B1 (adaptor related protein complex 3 subunit beta 1; minus strand). Cytogenetic location: 5q14.1.
Variant type: single nucleotide variant.
Coding change: c.2087C>G on transcript NM_003664.5 (MANE Select); coding-DNA position 2087, C replaced by G.
Protein change: p.Ser696Cys; replaces serine 696 with cysteine.
Molecular consequence: missense variant.
Genome position (GRCh38, 1-based): chr5:78,113,914, G>C on the plus strand (C>G on the coding strand, the complement: AP3B1 is on the minus strand). VCF-style: chr5-78113914-G-C. GRCh37 (hg19) VCF-style: chr5-77409738-G-C.
Other names: c.1940C>G, p.Ser647Cys (NM_001271769.2); c.2087C>G, p.Ser696Cys (NM_001410752.1); short protein forms S696C, S647C.
Identifiers: ClinVar variation 2090892 (VCV002090892.4), dbSNP rs2530961901, ClinGen allele CA360184267.
Genomic context (GRCh38, chr5:78,113,914, plus strand): 5'-CTGTCCTCATTGCTGTCTCCTTCCTCCCCACTTTCGCCTTGTTCTCCACTTTCACTTCCA[G>C]ATTCACTCTCTGAAAAACAGAACCAGATGTTCTTAGATTTATAGTCATTTAATTAGACAC-3'
Protein context (NP_003655.3, residues 686-706): SDSSSDSESE[Ser696Cys]GSESGEQGES

ClinVar aggregate classification (germline): Uncertain significance (1 of 4 stars; one submission).

Conditions:
Hermansky-Pudlak syndrome 2 (HPS2). Also called: Platelet defects and oculocutaneous albinism. Identifiers: Orphanet 183678, Orphanet 79430, MedGen C1842362, MONDO:0011997, OMIM 608233.

Submission:

Labcorp Genetics (formerly Invitae), Labcorp
Classification: Uncertain significance for Hermansky-Pudlak syndrome 2. Last evaluated: 2022-01-28. Review status: criteria provided, single submitter. Criteria: Invitae Variant Classification Sherloc (09022015). Collection method: clinical testing. Allele origin: germline.
Comment: In summary, the available evidence is currently insufficient to determine the role of this variant in disease. Therefore, it has been classified as a Variant of Uncertain Significance. Algorithms developed to predict the effect of missense changes on protein structure and function are either unavailable or do not agree on the potential impact of this missense change (SIFT: "Tolerated"; PolyPhen-2: "Possibly Damaging"; Align-GVGD: "Class C15"). This variant has not been reported in the literature in individuals affected with AP3B1-related conditions. This variant is not present in population databases (gnomAD no frequency). This sequence change replaces serine, which is neutral and polar, with cysteine, which is neutral and slightly polar, at codon 696 of the AP3B1 protein (p.Ser696Cys).